The following is an entry in ClinVar:

ClinVar aggregate classification (germline): Uncertain significance (1 of 4 stars; one submission).

Conditions:
Cardiovascular phenotype. Identifiers: MedGen CN230736.

Allele frequency attached by ClinVar (database versions not stated): gnomAD 0.00001; TOPMed 0.00001.

Submission:

Ambry Genetics
Classification: Uncertain significance for Cardiovascular phenotype. Last evaluated: 2024-01-29. Review status: criteria provided, single submitter. Criteria: Ambry Variant Classification Scheme 2023. Collection method: clinical testing. Allele origin: germline.
Comment: The p.R39Q variant (also known as c.116G>A), located in coding exon 1 of the FOXE3 gene, results from a G to A substitution at nucleotide position 116. The arginine at codon 39 is replaced by glutamine, an amino acid with highly similar properties. This amino acid position is conserved. In addition, this alteration is predicted to be tolerated by in silico analysis. Based on the available evidence, the clinical significance of this alteration remains unclear.

NM_012186.3(FOXE3):c.116G>A (p.Arg39Gln)

Genes: FOXE3 (forkhead box E3; plus strand), LINC01389 (long intergenic non-protein coding RNA 1389; minus strand). Cytogenetic location: 1p33.
Variant type: single nucleotide variant.
Coding change: c.116G>A on transcript NM_012186.3 (MANE Select); coding-DNA position 116, G replaced by A.
Protein change: p.Arg39Gln; replaces arginine 39 with glutamine.
Molecular consequence: missense variant.
Genome position (GRCh38, 1-based): chr1:47,416,431, G>A. VCF-style: chr1-47416431-G-A. GRCh37 (hg19) VCF-style: chr1-47882103-G-A.
Other names: short protein forms R39Q.
Identifiers: ClinVar variation 3226204 (VCV003226204.1), dbSNP rs996278928, ClinGen allele CA22068350.